The following is an entry in ClinVar:

NM_177438.3(DICER1):c.1165C>T (p.Pro389Ser)

Gene: DICER1 (dicer 1, ribonuclease III; minus strand). Cytogenetic location: 14q32.13.
Variant type: single nucleotide variant.
Coding change: c.1165C>T on transcript NM_177438.3 (MANE Select); coding-DNA position 1165, C replaced by T.
Protein change: p.Pro389Ser; replaces proline 389 with serine.
Molecular consequence: missense variant. On other transcripts: non-coding transcript variant (6), 5 prime UTR variant (1).
Genome position (GRCh38, 1-based): chr14:95,124,407, G>A on the plus strand (C>T on the coding strand, the complement: DICER1 is on the minus strand). VCF-style: chr14-95124407-G-A. GRCh37 (hg19) VCF-style: chr14-95590744-G-A.
Other names: c.1165C>T, p.Pro389Ser (NM_001195573.1, NM_001271282.3, NM_001291628.2 and 15 more transcripts); c.883C>T, p.Pro295Ser (NM_001395686.1); c.760C>T, p.Pro254Ser (NM_001395687.1, NM_001395688.1, NM_001395689.1 and 3 more transcripts); c.598C>T, p.Pro200Ser (NM_001395691.1); c.-404C>T (NM_001395697.1); short protein forms P200S, P254S, P295S, P389S.
Identifiers: ClinVar variation 2123085 (VCV002123085.4), dbSNP rs2140204202, ClinGen allele CA390886819.

ClinVar aggregate classification (germline): Uncertain significance (1 of 4 stars; one submission).

Conditions:
DICER1-related tumor predisposition. Also called: DICER1 syndrome; DICER1-related pleuropulmonary blastoma cancer predisposition syndrome. Identifiers: Orphanet 284343, MedGen C3839822, MONDO:0100216.

Submission:

Labcorp Genetics (formerly Invitae), Labcorp
Classification: Uncertain significance for DICER1-related tumor predisposition. Last evaluated: 2022-04-08. Review status: criteria provided, single submitter. Criteria: Invitae Variant Classification Sherloc (09022015). Collection method: clinical testing. Allele origin: germline.
Comment: In summary, the available evidence is currently insufficient to determine the role of this variant in disease. Therefore, it has been classified as a Variant of Uncertain Significance. Algorithms developed to predict the effect of missense changes on protein structure and function (SIFT, PolyPhen-2, Align-GVGD) all suggest that this variant is likely to be disruptive. This variant has not been reported in the literature in individuals affected with DICER1-related conditions. This variant is not present in population databases (gnomAD no frequency). This sequence change replaces proline, which is neutral and non-polar, with serine, which is neutral and polar, at codon 389 of the DICER1 protein (p.Pro389Ser).